The following is an entry in ClinVar:

ClinVar aggregate classification (germline): Benign (1 of 4 stars; one submission).

Allele frequency attached by ClinVar (database versions not stated): 1000 Genomes Project 0.48371; 1000 Genomes Project 30x 0.48907; TOPMed 0.65785.

Submission:

Unidad de Genómica Garrahan, Hospital de Pediatría Garrahan
Classification: Benign. Last evaluated: 2024-01-24. Review status: criteria provided, single submitter. Criteria: ACMG Guidelines, 2015. Collection method: clinical testing. Allele origin: germline. Affected: no. Observed: 32 variant alleles.
Comment: This variant is classified as Benign based on local population frequency. This variant was detected in 34% of patients studied by a panel of primary immunodeficiencies. Number of patients: 32. Only high quality variants are reported.

NM_001569.4(IRAK1):c.2080+91G>A

Gene: IRAK1 (interleukin 1 receptor associated kinase 1; minus strand). Cytogenetic location: Xq28.
Variant type: single nucleotide variant.
Coding change: c.2080+91G>A on transcript NM_001569.4 (MANE Select); 91 bases into the intron after coding-DNA position 2080, G replaced by A.
Molecular consequence: intron variant.
Genome position (GRCh38, 1-based): chrX:154,012,438, C>T on the plus strand (G>A on the coding strand, the complement: IRAK1 is on the minus strand). VCF-style: chrX-154012438-C-T. GRCh37 (hg19) VCF-style: chrX-153277889-C-T.
Other names: c.1843+91G>A (NM_001025243.2); c.1990+91G>A (NM_001025242.2); c.2068+91G>A (NM_001410701.1).
Identifiers: ClinVar variation 2688217 (VCV002688217.2), dbSNP rs2239673, ClinGen allele CA337253051.